The following is an entry in ClinVar:

NM_002633.3(PGM1):c.661C>T (p.Arg221Cys)

Gene: PGM1 (phosphoglucomutase 1; plus strand). Cytogenetic location: 1p31.3.
Variant type: single nucleotide variant.
Coding change: c.661C>T on transcript NM_002633.3 (MANE Select); coding-DNA position 661, C replaced by T.
Protein change: p.Arg221Cys; replaces arginine 221 with cysteine.
Molecular consequence: missense variant.
Genome position (GRCh38, 1-based): chr1:63,631,761, C>T. VCF-style: chr1-63631761-C-T. GRCh37 (hg19) VCF-style: chr1-64097432-C-T.
Other names: c.715C>T, p.Arg239Cys (NM_001172818.1); c.70C>T, p.Arg24Cys (NM_001172819.2); short protein forms R221C, R239C, R24C.
Identifiers: ClinVar variation 297874 (VCV000297874.36), dbSNP rs1126728, ClinGen allele CA889592.

ClinVar aggregate classification (germline): Benign/Likely benign. Review status: criteria provided, multiple submitters, no conflicts (2 of 4 stars). 10 submissions from 10 submitters: Benign (6); Likely benign (1). 3 of the submissions do not count toward it. Last evaluated 2026-02-04.

Conditions:
PGM1-congenital disorder of glycosylation. Also called: Congenital disorder of glycosylation type 1t; PHOSPHOGLUCOMUTASE 1 DEFICIENCY; PGM1 DEFICIENCY; GLYCOGEN STORAGE DISEASE XIV; GSD XIV; CDG It. Identifiers: Orphanet 319646, MedGen C2752015, MONDO:0013968, OMIM 614921.

Allele frequency attached by ClinVar (database versions not stated): ESP Exome Variant Server 0.22313; TOPMed 0.22864; gnomAD 0.22903 and 0.23125; gnomAD exomes 0.23666 and 0.24460; 1000 Genomes Project 30x 0.23735; 1000 Genomes Project 0.24141; ExAC 0.24280.
gnomAD v4.1: 381,386 of 1,611,488 alleles (24%); highest among the groups gnomAD compares: Middle Eastern, 30%; 46,247 homozygotes.

Submissions (10):

Labcorp Genetics (formerly Invitae), Labcorp
Classification: Benign for PGM1-congenital disorder of glycosylation. Last evaluated: 2026-02-04. Review status: criteria provided, single submitter. Criteria: Invitae Variant Classification Sherloc (09022015). Collection method: clinical testing. Allele origin: germline.

ARUP Laboratories, Molecular Genetics and Genomics, ARUP Laboratories
Classification: Benign for PGM1-congenital disorder of glycosylation. Last evaluated: 2025-07-31. Review status: criteria provided, single submitter. Criteria: ARUP Molecular Germline Variant Investigation Process 2024. Collection method: clinical testing. Allele origin: germline.

Blueprint Genetics
Classification: Benign. Last evaluated: 2024-11-26. Review status: criteria provided, single submitter. Criteria: ACMG Guidelines, 2015. Collection method: clinical testing. Allele origin: germline.

Unidad de Genómica Garrahan, Hospital de Pediatría Garrahan
Classification: Benign. Last evaluated: 2024-01-24. Review status: criteria provided, single submitter. Criteria: ACMG Guidelines, 2015. Collection method: clinical testing. Allele origin: germline. Affected: no. Observed: 45 variant alleles.
Comment: This variant is classified as Benign based on local population frequency. This variant was detected in 47% of patients studied by a panel of primary immunodeficiencies. Number of patients: 45. Only high quality variants are reported.

Genome-Nilou Lab
Classification: Benign for PGM1-congenital disorder of glycosylation. Last evaluated: 2021-09-05. Review status: criteria provided, single submitter. Criteria: ACMG Guidelines, 2015. Collection method: clinical testing. Allele origin: germline. Affected: no.

GeneDx
Classification: Benign. Last evaluated: 2015-12-02. Review status: criteria provided, single submitter. Criteria: GeneDx Variant Classification (06012015). Collection method: clinical testing. Allele origin: germline. Affected: yes.
Comment: This variant is considered likely benign or benign based on one or more of the following criteria: it is a conservative change, it occurs at a poorly conserved position in the protein, it is predicted to be benign by multiple in silico algorithms, and/or has population frequency not consistent with disease.

Breakthrough Genomics
Classification: Likely benign. Review status: criteria provided, single submitter. Criteria: ACMG Guidelines, 2015. Collection method: not provided. Allele origin: germline. Inheritance: Autosomal recessive inheritance. Affected: yes.

Mayo Clinic Laboratories, Mayo Clinic
Classification: Benign. Last evaluated: 2015-10-26. Review status: no assertion criteria provided. Collection method: clinical testing. Allele origin: unknown. Not counted in ClinVar's aggregate classification.

Diagnostic Laboratory, Department of Genetics, University Medical Center Groningen
Classification: Benign. Review status: no assertion criteria provided. Collection method: clinical testing. Allele origin: germline. Affected: yes. Study: VKGL Data-share Consensus. Not counted in ClinVar's aggregate classification.

Joint Genome Diagnostic Labs from Nijmegen and Maastricht, Radboudumc and MUMC+
Classification: Benign. Review status: no assertion criteria provided. Collection method: clinical testing. Allele origin: germline. Affected: yes. Study: VKGL Data-share Consensus. Not counted in ClinVar's aggregate classification.